The following is an entry in ClinVar:

ClinVar aggregate classification (germline): Uncertain significance. Review status: criteria provided, multiple submitters, no conflicts (2 of 4 stars). 2 submissions from 2 submitters: Uncertain significance (2). Last evaluated 2025-12-04.

Conditions:
Cardiovascular phenotype. Identifiers: MedGen CN230736.
Hereditary cancer-predisposing syndrome. Also called: Hereditary Cancer Syndrome; Tumor predisposition; Hereditary neoplastic syndrome; Neoplastic Syndromes, Hereditary. Identifiers: Orphanet 140162, MedGen C0027672, MeSH D009386, MONDO:0015356.
Neurofibromatosis, type 1 (NF1). Also called: Peripheral type neurofibromatosis; Neurofibromatosis, type I; VON RECKLINGHAUSEN DISEASE; NEUROFIBROMATOSIS, TYPE I, SOMATIC. Identifiers: Orphanet 636, MedGen C0027831, MONDO:0018975, OMIM 162200. Disease mechanism: loss of function.

Allele frequency attached by ClinVar (database versions not stated): TOPMed below 0.00001.

Submissions (2):

Ambry Genetics
Classification: Uncertain significance for Cardiovascular phenotype; Hereditary cancer-predisposing syndrome. Last evaluated: 2025-12-04. Review status: criteria provided, single submitter. Criteria: Ambry Variant Classification Scheme 2023. Collection method: clinical testing. Allele origin: germline.
Comment: The p.R1413G variant (also known as c.4237A>G), located in coding exon 31 of the NF1 gene, results from an A to G substitution at nucleotide position 4237. The arginine at codon 1413 is replaced by glycine, an amino acid with dissimilar properties. This amino acid position is highly conserved in available vertebrate species. In addition, this alteration is predicted to be deleterious by in silico analysis. Based on the available evidence, the clinical significance of this variant remains unclear.

Labcorp Genetics (formerly Invitae), Labcorp
Classification: Uncertain significance for Neurofibromatosis, type 1. Last evaluated: 2022-08-08. Review status: criteria provided, single submitter. Criteria: Invitae Variant Classification Sherloc (09022015). Collection method: clinical testing. Allele origin: germline.
Comment: ClinVar contains an entry for this variant (Variation ID: 1051836). In summary, the available evidence is currently insufficient to determine the role of this variant in disease. Therefore, it has been classified as a Variant of Uncertain Significance. Advanced modeling of protein sequence and biophysical properties (such as structural, functional, and spatial information, amino acid conservation, physicochemical variation, residue mobility, and thermodynamic stability) performed at Invitae indicates that this missense variant is expected to disrupt NF1 protein function. This variant has not been reported in the literature in individuals affected with NF1-related conditions. This variant is not present in population databases (gnomAD no frequency). This sequence change replaces arginine, which is basic and polar, with glycine, which is neutral and non-polar, at codon 1413 of the NF1 protein (p.Arg1413Gly).

NM_001042492.3(NF1):c.4300A>G (p.Arg1434Gly)

Gene: NF1 (neurofibromin 1; plus strand). Cytogenetic location: 17q11.2.
Variant type: single nucleotide variant.
Coding change: c.4300A>G on transcript NM_001042492.3 (MANE Select); coding-DNA position 4300, A replaced by G.
Protein change: p.Arg1434Gly; replaces arginine 1434 with glycine.
Molecular consequence: missense variant.
Genome position (GRCh38, 1-based): chr17:31,258,470, A>G. VCF-style: chr17-31258470-A-G. GRCh37 (hg19) VCF-style: chr17-29585488-A-G.
Other names: c.4237A>G, p.Arg1413Gly (NM_000267.4); short protein forms R1413G, R1434G.
Identifiers: ClinVar variation 1051836 (VCV001051836.6), dbSNP rs2067623934, ClinGen allele CA398998063.
Genomic context (GRCh38, chr17:31,258,470, plus strand): 5'-ATCAATCCTGCCATTGTCTCACCGTATGAAGCAGGGATTTTAGATAAAAAGCCACCACCT[A>G]GAATCGAAAGGGGCTTGAAGTTAATGTCAAAGGTGAATTATTTTGATAATCTAGCTATCT-3'
Protein context (NP_001035957.1, residues 1424-1444): AGILDKKPPP[Arg1434Gly]IERGLKLMSK